The following is an entry in ClinVar:

NM_001903.5(CTNNA1):c.1619G>A (p.Arg540His)

Gene: CTNNA1 (catenin alpha 1; plus strand). Cytogenetic location: 5q31.2.
Variant type: single nucleotide variant.
Coding change: c.1619G>A on transcript NM_001903.5 (MANE Select); coding-DNA position 1619, G replaced by A.
Protein change: p.Arg540His; replaces arginine 540 with histidine.
Molecular consequence: missense variant.
Genome position (GRCh38, 1-based): chr5:138,924,582, G>A. VCF-style: chr5-138924582-G-A. GRCh37 (hg19) VCF-style: chr5-138260271-G-A.
Other names: c.1619G>A, p.Arg540His (NM_001290307.3, NM_001323982.2, NM_001323983.1 and 2 more transcripts); c.1310G>A, p.Arg437His (NM_001290309.3); c.1250G>A, p.Arg417His (NM_001290310.3); c.509G>A, p.Arg170His (NM_001290312.1, NM_001323987.1, NM_001323988.1 and 17 more transcripts); c.1526G>A, p.Arg509His (NM_001323986.2); c.170G>A, p.Arg57His (NM_001324006.1, NM_001324007.1, NM_001324008.1 and 2 more transcripts); c.416G>A, p.Arg139His (NM_001324011.1); c.266G>A, p.Arg89His (NM_001324012.1, NM_001324013.1); and 1 more; short protein forms R437H, R139H, R170H, R417H, R509H, R57H, R89H, R540H.
Identifiers: ClinVar variation 651191 (VCV000651191.15), dbSNP rs139655691, ClinGen allele CA3431999.

ClinVar aggregate classification (germline): Conflicting classifications of pathogenicity. Review status: criteria provided, conflicting classifications (1 of 4 stars). 7 submissions from 7 submitters: Uncertain significance (6); Likely benign (1). Last evaluated 2026-01-26.

Conditions:
CTNNA1-related disorder. Also called: CTNNA1-related condition.
Hereditary cancer-predisposing syndrome. Also called: Hereditary neoplastic syndrome; Hereditary Cancer Syndrome; Tumor predisposition; Neoplastic Syndromes, Hereditary. Identifiers: Orphanet 140162, MedGen C0027672, MeSH D009386, MONDO:0015356.
Patterned macular dystrophy 2. Identifiers: Orphanet 99001, MedGen C1837029, MONDO:0012162, OMIM 608970.

Allele frequency attached by ClinVar (database versions not stated): gnomAD 0.00001; TOPMed 0.00002; gnomAD exomes 0.00003; ExAC 0.00004; ESP Exome Variant Server 0.00015.
gnomAD v4.1: 56 of 1,614,040 alleles (0.0035%); highest among the groups gnomAD compares: Non-Finnish European, 0.0044%; no homozygotes.

Submissions (7):

Labcorp Genetics (formerly Invitae), Labcorp
Classification: Uncertain significance. Last evaluated: 2026-01-26. Review status: criteria provided, single submitter. Criteria: Invitae Variant Classification Sherloc (09022015). Collection method: clinical testing. Allele origin: germline.
Comment: This sequence change replaces arginine, which is basic and polar, with histidine, which is basic and polar, at codon 540 of the CTNNA1 protein (p.Arg540His). This variant is present in population databases (rs139655691, gnomAD 0.005%). This variant has not been reported in the literature in individuals affected with CTNNA1-related conditions. ClinVar contains an entry for this variant (Variation ID: 651191). Invitae Evidence Modeling of protein sequence and biophysical properties (such as structural, functional, and spatial information, amino acid conservation, physicochemical variation, residue mobility, and thermodynamic stability) indicates that this missense variant is not expected to disrupt CTNNA1 protein function with a negative predictive value of 80%. In summary, the available evidence is currently insufficient to determine the role of this variant in disease. Therefore, it has been classified as a Variant of Uncertain Significance.

Blueprint Genetics
Classification: Uncertain significance. Last evaluated: 2024-11-22. Review status: criteria provided, single submitter. Criteria: ACMG Guidelines, 2015. Collection method: clinical testing. Allele origin: germline.

Baylor Genetics
Classification: Uncertain significance for Patterned macular dystrophy 2. Last evaluated: 2024-02-19. Review status: criteria provided, single submitter. Criteria: ACMG Guidelines, 2015. Collection method: clinical testing. Allele origin: unknown.

GeneDx
Classification: Uncertain significance. Last evaluated: 2023-09-29. Review status: criteria provided, single submitter. Criteria: GeneDx Variant Classification Process June 2021. Collection method: clinical testing. Allele origin: germline. Affected: yes.
Comment: Observed in individuals referred for hereditary cancer genetic testing (Clark et al., 2020); In silico analysis supports that this missense variant has a deleterious effect on protein structure/function; This variant is associated with the following publications: (PMID: 28915720, 32051609)

PreventionGenetics, part of Exact Sciences
Classification: Uncertain significance for CTNNA1-related condition. Last evaluated: 2023-07-20. Review status: criteria provided, single submitter. Criteria: ACMG Guidelines, 2015. Collection method: clinical testing. Allele origin: germline.
Comment: The CTNNA1 c.1619G>A variant is predicted to result in the amino acid substitution p.Arg540His. This variant has been reported in an individuals with gastric and/or breast cancer (Table S1, Clark et al. 2020. PubMed ID: 32051609). This variant is reported in 0.0062% of alleles in individuals of European (Non-Finnish) descent in gnomAD. At this time, the clinical significance of this variant is uncertain due to the absence of conclusive functional and genetic evidence.

Fulgent Genetics
Classification: Uncertain significance for Patterned macular dystrophy 2. Last evaluated: 2022-05-24. Review status: criteria provided, single submitter. Criteria: ACMG Guidelines, 2015. Collection method: clinical testing. Allele origin: unknown.

Ambry Genetics
Classification: Likely benign for Hereditary cancer-predisposing syndrome. Last evaluated: 2022-01-20. Review status: criteria provided, single submitter. Criteria: Ambry Variant Classification Scheme 2023. Collection method: clinical testing. Allele origin: germline.